The following is an entry in ClinVar:

NM_000066.4(C8B):c.1653G>A (p.Trp551Ter)

Gene: C8B (complement C8 beta chain; minus strand). Cytogenetic location: 1p32.2.
Variant type: single nucleotide variant.
Coding change: c.1653G>A on transcript NM_000066.4 (MANE Select); coding-DNA position 1653, G replaced by A.
Protein change: p.Trp551Ter; replaces tryptophan 551 with a stop codon.
Molecular consequence: nonsense.
Genome position (GRCh38, 1-based): chr1:56,929,527, C>T on the plus strand (G>A on the coding strand, the complement: C8B is on the minus strand). VCF-style: chr1-56929527-C-T. GRCh37 (hg19) VCF-style: chr1-57395200-C-T.
Other names: c.1497G>A, p.Trp499Ter (NM_001278543.2); c.1467G>A, p.Trp489Ter (NM_001278544.2); short protein forms W551*, W489*, W499*.
Identifiers: ClinVar variation 559594 (VCV000559594.8), dbSNP rs752357132, ClinGen allele CA875552.

ClinVar aggregate classification (germline): Uncertain significance. Review status: criteria provided, multiple submitters, no conflicts (2 of 4 stars). 3 submissions from 3 submitters: Uncertain significance (2). 1 of the submissions does not count toward it. Last evaluated 2024-03-07.

Conditions:
Type II complement component 8 deficiency. Also called: COMPLEMENT C8 DEFICIENCY, TYPE II; C8 BETA DEFICIENCY; C8B DEFICIENCY; COMPLEMENT COMPONENT 8B DEFICIENCY. Identifiers: MedGen C3151080, MONDO:0013421, OMIM 613789.

Allele frequency attached by ClinVar (database versions not stated): gnomAD exomes below 0.00001 and 0.00001; gnomAD 0.00001; TOPMed 0.00001; ExAC 0.00002.
gnomAD v4.1: 6 of 1,613,774 alleles (0.00037%); highest among the groups gnomAD compares: Non-Finnish European, 0.00051%; no homozygotes.

Submissions (3):

Blueprint Genetics
Classification: Uncertain significance. Last evaluated: 2024-03-07. Review status: criteria provided, single submitter. Criteria: ACMG Guidelines, 2015. Collection method: clinical testing. Allele origin: germline.

Labcorp Genetics (formerly Invitae), Labcorp
Classification: Uncertain significance. Last evaluated: 2023-12-11. Review status: criteria provided, single submitter. Criteria: Invitae Variant Classification Sherloc (09022015). Collection method: clinical testing. Allele origin: germline.
Comment: This sequence change creates a premature translational stop signal (p.Trp551*) in the C8B gene. While this is not anticipated to result in nonsense mediated decay, it is expected to disrupt the last 41 amino acid(s) of the C8B protein. This variant is present in population databases (rs752357132, gnomAD 0.0009%). This variant has not been reported in the literature in individuals affected with C8B-related conditions. ClinVar contains an entry for this variant (Variation ID: 559594). Experimental studies and prediction algorithms are not available or were not evaluated, and the functional significance of this variant is currently unknown. In summary, the available evidence is currently insufficient to determine the role of this variant in disease. Therefore, it has been classified as a Variant of Uncertain Significance.

Laboratory of Molecular Oncology, N.N. Petrov Institute of Oncology
Classification: Uncertain significance for Type II complement component 8 deficiency. Review status: no assertion criteria provided. Collection method: reference population. Allele origin: germline. Inheritance: Autosomal recessive inheritance. Observed: 4 variant alleles, 4 heterozygotes. Not counted in ClinVar's aggregate classification.